The following is an entry in ClinVar:

ClinVar aggregate classification (germline): Uncertain significance. Review status: criteria provided, multiple submitters, no conflicts (2 of 4 stars). 3 submissions from 3 submitters: Uncertain significance (3). Last evaluated 2025-01-05.

Conditions:
Inborn genetic diseases. Identifiers: MedGen C0950123, MeSH D030342.
Wilms tumor 1 (WT1). Also called: Wilms tumor, somatic. Identifiers: Orphanet 654, MedGen CN033288, MONDO:0008679, OMIM 194070.
Frasier syndrome. Identifiers: Orphanet 347, MedGen C0950122, MeSH D052159, MONDO:0007635, OMIM 136680.
11p partial monosomy syndrome (WAGR). Also called: CHROMOSOME 11p13 DELETION SYNDROME; WAGR syndrome; WAGR Complex; WAGR Spectrum Disorder. Identifiers: Orphanet 893, MedGen C0206115, MONDO:0008681, OMIM 194072.
Drash syndrome (DDS). Also called: WILMS TUMOR AND PSEUDO- OR TRUE HERMAPHRODITISM; NEPHROPATHY, WILMS TUMOR, AND GENITAL ANOMALIES. Identifiers: Orphanet 220, MedGen C0950121, MONDO:0008682, OMIM 194080.

Submissions (3):

Ambry Genetics
Classification: Uncertain significance for Inborn genetic diseases. Last evaluated: 2025-01-05. Review status: criteria provided, single submitter. Criteria: Ambry Variant Classification Scheme 2023. Collection method: clinical testing. Allele origin: germline.
Comment: The p.S6F variant (also known as c.17C>T), located in coding exon 1 of the WT1 gene, results from a C to T substitution at nucleotide position 17. The serine at codon 6 is replaced by phenylalanine, an amino acid with highly dissimilar properties. This amino acid position is conserved. In addition, this alteration is predicted to be tolerated by in silico analysis. Based on the available evidence, the clinical significance of this variant remains unclear.

Labcorp Genetics (formerly Invitae), Labcorp
Classification: Uncertain significance for Wilms tumor 1; Drash syndrome; 11p partial monosomy syndrome; Frasier syndrome. Last evaluated: 2024-10-26. Review status: criteria provided, single submitter. Criteria: Invitae Variant Classification Sherloc (09022015). Collection method: clinical testing. Allele origin: germline.
Comment: This sequence change replaces serine, which is neutral and polar, with phenylalanine, which is neutral and non-polar, at codon 6 of the WT1 protein (p.Ser6Phe). This variant is not present in population databases (gnomAD no frequency). This variant has not been reported in the literature in individuals affected with WT1-related conditions. ClinVar contains an entry for this variant (Variation ID: 1896090). An algorithm developed to predict the effect of missense changes on protein structure and function outputs the following: PolyPhen-2: "Benign". The phenylalanine amino acid residue is found in multiple mammalian species, which suggests that this missense change does not adversely affect protein function. In summary, the available evidence is currently insufficient to determine the role of this variant in disease. Therefore, it has been classified as a Variant of Uncertain Significance.

Baylor Genetics
Classification: Uncertain significance for Drash syndrome. Last evaluated: 2023-05-07. Review status: criteria provided, single submitter. Criteria: ACMG Guidelines, 2015. Collection method: clinical testing. Allele origin: unknown.

NM_024426.6(WT1):c.32C>T (p.Ser11Phe)

Genes: WT1 (WT1 transcription factor; minus strand), LOC107982234 (WT1/WT1-AS bi-directional promoter region; plus strand). Cytogenetic location: 11p13.
Variant type: single nucleotide variant.
Coding change: c.32C>T on transcript NM_024426.6 (MANE Select); coding-DNA position 32, C replaced by T.
Protein change: p.Ser11Phe; replaces serine 11 with phenylalanine.
Molecular consequence: missense variant. On other transcripts: non-coding transcript variant (1).
Genome position (GRCh38, 1-based): chr11:32,435,329, G>A on the plus strand (C>T on the coding strand, the complement: WT1 is on the minus strand). VCF-style: chr11-32435329-G-A. GRCh37 (hg19) VCF-style: chr11-32456875-G-A.
Other names: c.32C>T, p.Ser11Phe (NM_000378.6, NM_001407044.1, NM_001407045.1 and 6 more transcripts); c.17C>T, p.Ser6Phe (NM_024425.2); c.17C>T (NM_024426.4); short protein forms S11F, S6F.
Identifiers: ClinVar variation 1896090 (VCV001896090.7), dbSNP rs1412950681, ClinGen allele CA379966528.